The following is an entry in ClinVar:

NM_024642.5(GALNT12):c.451A>C (p.Thr151Pro)

Gene: GALNT12 (polypeptide N-acetylgalactosaminyltransferase 12; plus strand). Cytogenetic location: 9q22.33.
Variant type: single nucleotide variant.
Coding change: c.451A>C on transcript NM_024642.5 (MANE Select); coding-DNA position 451, A replaced by C.
Protein change: p.Thr151Pro; replaces threonine 151 with proline.
Molecular consequence: missense variant.
Genome position (GRCh38, 1-based): chr9:98,823,335, A>C. VCF-style: chr9-98823335-A-C. GRCh37 (hg19) VCF-style: chr9-101585617-A-C.
Other names: short protein forms T151P.
Identifiers: ClinVar variation 1741181 (VCV001741181.8), dbSNP rs781330491, ClinGen allele CA374216735.

ClinVar aggregate classification (germline): Uncertain significance. Review status: criteria provided, multiple submitters, no conflicts (2 of 4 stars). 2 submissions from 2 submitters: Uncertain significance (2). Last evaluated 2024-05-25.

Submissions (2):

Ambry Genetics
Classification: Uncertain significance. Last evaluated: 2024-05-25. Review status: criteria provided, single submitter. Criteria: Ambry Variant Classification Scheme 2023. Collection method: clinical testing. Allele origin: germline.
Comment: The p.T151P variant (also known as c.451A>C), located in coding exon 2 of the GALNT12 gene, results from an A to C substitution at nucleotide position 451. The threonine at codon 151 is replaced by proline, an amino acid with highly similar properties. This amino acid position is highly conserved in available vertebrate species. In addition, this alteration is predicted to be deleterious by in silico analysis. Since supporting evidence is limited at this time, the clinical significance of this alteration remains unclear.

Labcorp Genetics (formerly Invitae), Labcorp
Classification: Uncertain significance. Last evaluated: 2024-01-02. Review status: criteria provided, single submitter. Criteria: Invitae Variant Classification Sherloc (09022015). Collection method: clinical testing. Allele origin: germline.
Comment: This sequence change replaces threonine, which is neutral and polar, with proline, which is neutral and non-polar, at codon 151 of the GALNT12 protein (p.Thr151Pro). This variant is not present in population databases (gnomAD no frequency). This variant has not been reported in the literature in individuals affected with GALNT12-related conditions. ClinVar contains an entry for this variant (Variation ID: 1741181). Advanced modeling of protein sequence and biophysical properties (such as structural, functional, and spatial information, amino acid conservation, physicochemical variation, residue mobility, and thermodynamic stability) performed at Invitae indicates that this missense variant is not expected to disrupt GALNT12 protein function with a negative predictive value of 80%. In summary, the available evidence is currently insufficient to determine the role of this variant in disease. Therefore, it has been classified as a Variant of Uncertain Significance.